The following is an entry in ClinVar:

NM_003922.4(HERC1):c.4474C>T (p.Leu1492Phe)

Gene: HERC1 (HECT and RLD domain containing E3 ubiquitin protein ligase family member 1; minus strand). Cytogenetic location: 15q22.31.
Variant type: single nucleotide variant.
Coding change: c.4474C>T on transcript NM_003922.4 (MANE Select); coding-DNA position 4474, C replaced by T.
Protein change: p.Leu1492Phe; replaces leucine 1492 with phenylalanine.
Molecular consequence: missense variant.
Genome position (GRCh38, 1-based): chr15:63,712,885, G>A on the plus strand (C>T on the coding strand, the complement: HERC1 is on the minus strand). VCF-style: chr15-63712885-G-A. GRCh37 (hg19) VCF-style: chr15-64005084-G-A.
Other names: short protein forms L1492F.
Identifiers: ClinVar variation 2078760 (VCV002078760.4), dbSNP rs1421403580, ClinGen allele CA392752633.

ClinVar aggregate classification (germline): Uncertain significance (1 of 4 stars; one submission).

Allele frequency attached by ClinVar (database versions not stated): gnomAD exomes below 0.00001.
gnomAD v4.1: 1 of 1,612,880 alleles (0.000062%); highest among the groups gnomAD compares: Non-Finnish European, 0.000085%; no homozygotes.

Submission:

Labcorp Genetics (formerly Invitae), Labcorp
Classification: Uncertain significance. Last evaluated: 2022-03-11. Review status: criteria provided, single submitter. Criteria: Invitae Variant Classification Sherloc (09022015). Collection method: clinical testing. Allele origin: germline.
Comment: This sequence change replaces leucine, which is neutral and non-polar, with phenylalanine, which is neutral and non-polar, at codon 1492 of the HERC1 protein (p.Leu1492Phe). This variant is present in population databases (no rsID available, gnomAD 0.0009%). This variant has not been reported in the literature in individuals affected with HERC1-related conditions. Algorithms developed to predict the effect of missense changes on protein structure and function are either unavailable or do not agree on the potential impact of this missense change (SIFT: "Deleterious"; PolyPhen-2: "Possibly Damaging"; Align-GVGD: "Class C15"). In summary, the available evidence is currently insufficient to determine the role of this variant in disease. Therefore, it has been classified as a Variant of Uncertain Significance.